The following is an entry in ClinVar:

ClinVar aggregate classification (germline): Uncertain significance. Review status: criteria provided, multiple submitters, no conflicts (2 of 4 stars). 4 submissions from 4 submitters: Uncertain significance (3). 1 of the submissions does not count toward it. Last evaluated 2025-10-13.

Conditions:
Hereditary cancer-predisposing syndrome. Also called: Neoplastic Syndromes, Hereditary; Tumor predisposition; Hereditary Cancer Syndrome; Hereditary neoplastic syndrome. Identifiers: Orphanet 140162, MedGen C0027672, MeSH D009386, MONDO:0015356.
Ataxia-telangiectasia syndrome (AT). Also called: ATAXIA-TELANGIECTASIA, COMPLEMENTATION GROUP A; ATAXIA-TELANGIECTASIA, FRESNO VARIANT; Ataxia-telangiectasia; Ataxia-telangiectasia, complementation group D; AT, COMPLEMENTATION GROUP C; Ataxia-telangiectasia, complementation group E. Identifiers: Orphanet 100, MedGen C0004135, MONDO:0008840, OMIM 208900.

Submissions (4):

Labcorp Genetics (formerly Invitae), Labcorp
Classification: Uncertain significance for Ataxia-telangiectasia syndrome. Last evaluated: 2025-10-13. Review status: criteria provided, single submitter. Criteria: Invitae Variant Classification Sherloc (09022015). Collection method: clinical testing. Allele origin: germline.
Comment: This sequence change replaces serine, which is neutral and polar, with proline, which is neutral and non-polar, at codon 1198 of the ATM protein (p.Ser1198Pro). This variant is not present in population databases (gnomAD no frequency). This variant has not been reported in the literature in individuals affected with ATM-related conditions. ClinVar contains an entry for this variant (Variation ID: 524241). Invitae Evidence Modeling of protein sequence and biophysical properties (such as structural, functional, and spatial information, amino acid conservation, physicochemical variation, residue mobility, and thermodynamic stability) indicates that this missense variant is not expected to disrupt ATM protein function with a negative predictive value of 95%. In summary, the available evidence is currently insufficient to determine the role of this variant in disease. Therefore, it has been classified as a Variant of Uncertain Significance.

Ambry Genetics
Classification: Uncertain significance for Hereditary cancer-predisposing syndrome. Last evaluated: 2024-08-12. Review status: criteria provided, single submitter. Criteria: Ambry Variant Classification Scheme 2023. Collection method: clinical testing. Allele origin: germline.
Comment: The p.S1198P variant (also known as c.3592T>C), located in coding exon 24 of the ATM gene, results from a T to C substitution at nucleotide position 3592. The serine at codon 1198 is replaced by proline, an amino acid with similar properties. This amino acid position is conserved. In addition, the in silico prediction for this alteration is inconclusive. Based on the available evidence, the clinical significance of this variant remains unclear.

Color Diagnostics, LLC DBA Color Health
Classification: Uncertain significance for Hereditary cancer-predisposing syndrome. Last evaluated: 2023-02-26. Review status: criteria provided, single submitter. Criteria: ACMG Guidelines, 2015. Collection method: clinical testing. Allele origin: germline.
Comment: This missense variant replaces serine with proline at codon 1198 of the ATM protein. Computational prediction suggests that this variant may not impact protein structure and function (internally defined REVEL score threshold <= 0.5, PMID: 27666373). To our knowledge, functional studies have not been reported for this variant. This variant has not been reported in individuals affected with ATM-related disorders in the literature. This variant has not been identified in the general population by the Genome Aggregation Database (gnomAD). The available evidence is insufficient to determine the role of this variant in disease conclusively. Therefore, this variant is classified as a Variant of Uncertain Significance.

Natera, Inc.
Classification: Uncertain significance for Ataxia-telangiectasia. Last evaluated: 2020-09-16. Review status: no assertion criteria provided. Collection method: clinical testing. Allele origin: germline. Not counted in ClinVar's aggregate classification.

NM_000051.4(ATM):c.3592T>C (p.Ser1198Pro)

Gene: ATM (ATM serine/threonine kinase; plus strand). Cytogenetic location: 11q22.3.
Variant type: single nucleotide variant.
Coding change: c.3592T>C on transcript NM_000051.4 (MANE Select); coding-DNA position 3592, T replaced by C.
Protein change: p.Ser1198Pro; replaces serine 1198 with proline.
Molecular consequence: missense variant.
Genome position (GRCh38, 1-based): chr11:108,282,725, T>C. VCF-style: chr11-108282725-T-C. GRCh37 (hg19) VCF-style: chr11-108153452-T-C.
Other names: c.3592T>C, p.Ser1198Pro (NM_001351834.2); short protein forms S1198P.
Identifiers: ClinVar variation 524241 (VCV000524241.10), dbSNP rs1555092260, ClinGen allele CA382522566.